The following is an entry in ClinVar:

ClinVar aggregate classification (germline): Uncertain significance (0 of 4 stars; one submission).

Conditions:
FRAS1-related disorder. Also called: FRAS1-related condition.

Submission:

PreventionGenetics, part of Exact Sciences
Classification: Uncertain significance for FRAS1-related condition. Last evaluated: 2024-06-05. Review status: no assertion criteria provided. Collection method: clinical testing. Allele origin: germline.
Comment: The FRAS1 c.3838_3839delinsTT variant is predicted to result in an in-frame deletion and insertion. To our knowledge, this variant has not been reported in the literature or in a large population database, indicating this variant is rare. At this time, the clinical significance of this variant is uncertain due to the absence of conclusive functional and genetic evidence.

NM_025074.7(FRAS1):c.3838_3839delinsTT (p.Gln1280Leu)

Gene: FRAS1 (Fraser extracellular matrix complex subunit 1; plus strand). Cytogenetic location: 4q21.21.
Variant type: Indel.
Coding change: c.3838_3839delinsTT on transcript NM_025074.7 (MANE Select); coding-DNA positions 3838 to 3839, CA replaced by TT.
Protein change: p.Gln1280Leu; replaces glutamine 1280 with leucine.
Molecular consequence: missense variant.
Genome position (GRCh38, 1-based): chr4:78,387,564-78,387,565, CA replaced by TT. VCF-style: chr4-78387564-CA-TT. GRCh37 (hg19) VCF-style: chr4-79308718-CA-TT.
Other names: c.3838_3839delinsTT, p.Gln1280Leu (NM_001166133.2); short protein forms Q1280L.
Identifiers: ClinVar variation 3345233 (VCV003345233.1).